The following is an entry in ClinVar:

NM_001367624.2(ZNF469):c.4918G>C (p.Ala1640Pro)

Gene: ZNF469 (zinc finger protein 469; plus strand). Cytogenetic location: 16q24.2.
Variant type: single nucleotide variant.
Coding change: c.4918G>C on transcript NM_001367624.2 (MANE Select); coding-DNA position 4918, G replaced by C.
Protein change: p.Ala1640Pro; replaces alanine 1640 with proline.
Molecular consequence: missense variant.
Genome position (GRCh38, 1-based): chr16:88,432,388, G>C. VCF-style: chr16-88432388-G-C. GRCh37 (hg19) VCF-style: chr16-88498796-G-C.
Other names: NM_001127464.1:c.4834G>C; short protein forms A1640P.
Identifiers: ClinVar variation 5032206 (VCV005032206.1).

ClinVar aggregate classification (germline): Uncertain significance (1 of 4 stars; one submission).

Conditions:
Cardiovascular phenotype. Identifiers: MedGen CN230736.

Submission:

Ambry Genetics
Classification: Uncertain significance for Cardiovascular phenotype. Last evaluated: 2026-06-22. Review status: criteria provided, single submitter. Criteria: Ambry Variant Classification Scheme 2023. Collection method: clinical testing. Allele origin: germline.
Comment: The p.A1612P variant (also known as c.4834G>C), located in coding exon 2 of the ZNF469 gene, results from a G to C substitution at nucleotide position 4834. The alanine at codon 1612 is replaced by proline, an amino acid with highly similar properties. This amino acid position is conserved. In addition, this alteration is predicted to be tolerated by in silico analysis. Based on the available evidence, the clinical significance of this variant remains unclear.